The following is an entry in ClinVar:

ClinVar aggregate classification (germline): Uncertain significance. Review status: criteria provided, multiple submitters, no conflicts (2 of 4 stars). 4 submissions from 4 submitters: Uncertain significance (4). Last evaluated 2025-02-02.

Conditions:
Familial cancer of breast. Also called: hereditary breast carcinoma; Hereditary breast cancer; BREAST CANCER, FAMILIAL. Identifiers: Orphanet 227535, MedGen C0346153, MONDO:0016419, OMIM 114480. Disease mechanism: loss of function.
Hereditary cancer-predisposing syndrome. Also called: Tumor predisposition; Hereditary neoplastic syndrome; Neoplastic Syndromes, Hereditary; Hereditary Cancer Syndrome. Identifiers: Orphanet 140162, MedGen C0027672, MeSH D009386, MONDO:0015356.

Allele frequency attached by ClinVar (database versions not stated): ExAC 0.00001; gnomAD exomes 0.00001.
gnomAD v4.1: 10 of 1,611,324 alleles (0.00062%); highest among the groups gnomAD compares: South Asian, 0.0088%; no homozygotes.

Submissions (4):

Ambry Genetics
Classification: Uncertain significance for Hereditary cancer-predisposing syndrome. Last evaluated: 2025-02-02. Review status: criteria provided, single submitter. Criteria: Ambry Variant Classification Scheme 2023. Collection method: clinical testing. Allele origin: germline.
Comment: The p.A39T variant (also known as c.115G>A), located in coding exon 1 of the BARD1 gene, results from a G to A substitution at nucleotide position 115. The alanine at codon 39 is replaced by threonine, an amino acid with similar properties. This amino acid position is well conserved in available vertebrate species. In addition, the in silico prediction for this alteration is inconclusive. Since supporting evidence is limited at this time, the clinical significance of this alteration remains unclear.

Labcorp Genetics (formerly Invitae), Labcorp
Classification: Uncertain significance for Familial cancer of breast. Last evaluated: 2023-12-17. Review status: criteria provided, single submitter. Criteria: Invitae Variant Classification Sherloc (09022015). Collection method: clinical testing. Allele origin: germline.
Comment: This sequence change replaces alanine, which is neutral and non-polar, with threonine, which is neutral and polar, at codon 39 of the BARD1 protein (p.Ala39Thr). This variant is present in population databases (rs753630023, gnomAD 0.01%). This variant has not been reported in the literature in individuals affected with BARD1-related conditions. ClinVar contains an entry for this variant (Variation ID: 818441). An algorithm developed to predict the effect of missense changes on protein structure and function (PolyPhen-2) suggests that this variant is likely to be tolerated. In summary, the available evidence is currently insufficient to determine the role of this variant in disease. Therefore, it has been classified as a Variant of Uncertain Significance.

Department of Pathology and Laboratory Medicine, Sinai Health System
Classification: Uncertain significance for Familial cancer of breast. Last evaluated: 2023-04-28. Review status: criteria provided, single submitter. Criteria: ACMG Guidelines, 2015. Collection method: clinical testing. Allele origin: germline. Affected: yes.

Revvity Omics, Revvity
Classification: Uncertain significance. Last evaluated: 2023-01-02. Review status: criteria provided, single submitter. Criteria: ACMG Guidelines, 2015. Collection method: clinical testing. Allele origin: germline.

NM_000465.4(BARD1):c.115G>A (p.Ala39Thr)

Gene: BARD1 (BRCA1 associated RING domain 1; minus strand). Cytogenetic location: 2q35.
Variant type: single nucleotide variant.
Coding change: c.115G>A on transcript NM_000465.4 (MANE Select); coding-DNA position 115, G replaced by A.
Protein change: p.Ala39Thr; replaces alanine 39 with threonine.
Molecular consequence: missense variant. On other transcripts: non-coding transcript variant (3).
Genome position (GRCh38, 1-based): chr2:214,809,455, C>T on the plus strand (G>A on the coding strand, the complement: BARD1 is on the minus strand). VCF-style: chr2-214809455-C-T. GRCh37 (hg19) VCF-style: chr2-215674179-C-T.
Other names: c.115G>A, p.Ala39Thr (NM_001282543.2, NM_001282548.2, NM_001282549.2 and 1 more transcripts); short protein forms A39T.
Identifiers: ClinVar variation 818441 (VCV000818441.18), dbSNP rs753630023, ClinGen allele CA2090516.
Genomic context (GRCh38, chr2:214,809,455, plus strand): 5'-AGAAGCTCCGTCTTTACCAACGCGAGCAGCGCAGCAGCTTCTCCAGGCGGTCGAGCGCGG[C>T]GCGACTGTGGGCCCAGGCACCGCGACCATCCGGTTCCATGGCGGGCGCGGAACGAGGCTC-3'
Protein context (NP_000456.2, residues 29-49): DGRGAWAHSR[Ala39Thr]ALDRLEKLLR